The following is an entry in ClinVar:

NM_016239.4(MYO15A):c.9881G>A (p.Arg3294Gln)

Gene: MYO15A (myosin XVA; plus strand). Cytogenetic location: 17p11.2.
Variant type: single nucleotide variant.
Coding change: c.9881G>A on transcript NM_016239.4 (MANE Select); coding-DNA position 9881, G replaced by A.
Protein change: p.Arg3294Gln; replaces arginine 3294 with glutamine.
Molecular consequence: missense variant.
Genome position (GRCh38, 1-based): chr17:18,166,454, G>A. VCF-style: chr17-18166454-G-A. GRCh37 (hg19) VCF-style: chr17-18069768-G-A.
Other names: short protein forms R3294Q.
Identifiers: ClinVar variation 1801013 (VCV001801013.3), dbSNP rs202096860, ClinGen allele CA8425719.

ClinVar aggregate classification (germline): Uncertain significance. Review status: criteria provided, multiple submitters, no conflicts (2 of 4 stars). 2 submissions from 2 submitters: Uncertain significance (2). Last evaluated 2025-03-08.

Conditions:
Inborn genetic diseases. Identifiers: MedGen C0950123, MeSH D030342.

Allele frequency attached by ClinVar (database versions not stated): gnomAD exomes below 0.00001; ExAC 0.00001; 1000 Genomes Project 0.00020; 1000 Genomes Project 30x 0.00031; TOPMed 0.00003; gnomAD 0.00005.
gnomAD v4.1: 14 of 1,614,026 alleles (0.00087%); highest among the groups gnomAD compares: African/African-American, 0.0093%; no homozygotes.

Submissions (2):

Ambry Genetics
Classification: Uncertain significance for Inborn genetic diseases. Last evaluated: 2025-03-08. Review status: criteria provided, single submitter. Criteria: Ambry Variant Classification Scheme 2023. Collection method: clinical testing. Allele origin: germline.

GeneDx
Classification: Uncertain significance. Last evaluated: 2023-02-15. Review status: criteria provided, single submitter. Criteria: GeneDx Variant Classification Process June 2021. Collection method: clinical testing. Allele origin: germline.
Comment: In silico analysis supports that this missense variant does not alter protein structure/function; Has not been previously published as pathogenic or benign to our knowledge